The following is an entry in ClinVar:

NM_000302.4(PLOD1):c.489C>T (p.Asn163=)

Gene: PLOD1 (procollagen-lysine,2-oxoglutarate 5-dioxygenase 1; plus strand). Cytogenetic location: 1p36.22.
Variant type: single nucleotide variant.
Coding change: c.489C>T on transcript NM_000302.4 (MANE Select); coding-DNA position 489, C replaced by T.
Protein change: p.Asn163=; no amino-acid change (asparagine 163 retained).
Molecular consequence: synonymous variant.
Genome position (GRCh38, 1-based): chr1:11,952,645, C>T. VCF-style: chr1-11952645-C-T. GRCh37 (hg19) VCF-style: chr1-12012702-C-T.
Other names: p.Asn163=; c.630C>T, p.Asn210= (NM_001316320.2).
Identifiers: ClinVar variation 4684606 (VCV004684606.1).
Genomic context (GRCh38, chr1:11,952,645, plus strand): 5'-AAGGGTCCGTCTTGGTGTCCCCACCCACCAACCTTCAGGCTTCATCGGTTATGCCCCCAA[C>T]CTCAGCAAACTGGTGGCCGAGTGGGAGGGCCAGGACAGCGACAGCGATCAGCTGTTTTAC-3'
Protein context (NP_000293.2, residues 153-173): GSGGFIGYAP[Asn163=]LSKLVAEWEG

ClinVar aggregate classification (germline): Likely benign (1 of 4 stars; one submission).

gnomAD v4.1: 1 of 1,614,090 alleles (0.000062%); highest among the groups gnomAD compares: Non-Finnish European, 0.000085%; no homozygotes.

Submission:

Mayo Clinic Laboratories, Mayo Clinic
Classification: Likely benign. Last evaluated: 2025-04-21. Review status: criteria provided, single submitter. Criteria: ACMG Guidelines, 2015. Collection method: clinical testing. Allele origin: germline. Observed: 1 variant allele.
Comment: BP4, BP7, PM2_supporting